The following is an entry in ClinVar:

ClinVar aggregate classification (germline): Conflicting classifications of pathogenicity. Review status: criteria provided, conflicting classifications (1 of 4 stars). 2 submissions from 2 submitters: Likely pathogenic (1); Uncertain significance (1). Last evaluated 2024-10-25.

Conditions:
Bethlem myopathy 1A. Also called: MYOPATHY, BENIGN CONGENITAL, WITH CONTRACTURES; Bethlem myopathy 1; Bethlem Muscular Dystrophy. Identifiers: Orphanet 610, MedGen CN029274, MONDO:0024530, OMIM 158810.

Allele frequency attached by ClinVar (database versions not stated): gnomAD exomes below 0.00001.
gnomAD v4.1: 4 of 1,612,730 alleles (0.00025%); highest among the groups gnomAD compares: Non-Finnish European, 0.00025%; no homozygotes.

Submissions (2):

Labcorp Genetics (formerly Invitae), Labcorp
Classification: Likely pathogenic for Bethlem myopathy 1A. Last evaluated: 2024-10-25. Review status: criteria provided, single submitter. Criteria: Invitae Variant Classification Sherloc (09022015). Collection method: clinical testing. Allele origin: germline.
Comment: This sequence change replaces aspartic acid, which is acidic and polar, with asparagine, which is neutral and polar, at codon 135 of the COL6A2 protein (p.Asp135Asn). This variant is present in population databases (no rsID available, gnomAD 0.0009%). This missense change has been observed in individual(s) with autosomal recessive Bethlem myopathy (PMID: 25535305, 34440373). ClinVar contains an entry for this variant (Variation ID: 858544). Invitae Evidence Modeling of protein sequence and biophysical properties (such as structural, functional, and spatial information, amino acid conservation, physicochemical variation, residue mobility, and thermodynamic stability) indicates that this missense variant is expected to disrupt COL6A2 protein function with a positive predictive value of 80%. In summary, the currently available evidence indicates that the variant is pathogenic, but additional data are needed to prove that conclusively. Therefore, this variant has been classified as Likely Pathogenic.

MGZ Medical Genetics Center
Classification: Uncertain significance for Bethlem myopathy 1A. Last evaluated: 2021-08-18. Review status: criteria provided, single submitter. Criteria: ACMG Guidelines, 2015. Collection method: clinical testing. Allele origin: germline. Affected: yes. Observed: 1 variant allele.
Comment: ACMG criteria applied: PM2_SUP, PP3

Literature cited by the submitters: PubMed 25535305 (cited by Labcorp Genetics (formerly Invitae), Labcorp); PubMed 34440373 (cited by Labcorp Genetics (formerly Invitae), Labcorp).

NM_001849.4(COL6A2):c.403G>A (p.Asp135Asn)

Gene: COL6A2 (collagen type VI alpha 2 chain; plus strand). Cytogenetic location: 21q22.3.
Variant type: single nucleotide variant.
Coding change: c.403G>A on transcript NM_001849.4 (MANE Select); coding-DNA position 403, G replaced by A.
Protein change: p.Asp135Asn; replaces aspartic acid 135 with asparagine.
Molecular consequence: missense variant.
Genome position (GRCh38, 1-based): chr21:46,112,266, G>A. VCF-style: chr21-46112266-G-A. GRCh37 (hg19) VCF-style: chr21-47532180-G-A.
Other names: c.403G>A, p.Asp135Asn (NM_058174.3, NM_058175.3); short protein forms D135N.
Identifiers: ClinVar variation 858544 (VCV000858544.8), dbSNP rs983938730, ClinGen allele CA321957225.